The following is an entry in ClinVar:

NM_002474.3(MYH11):c.5143G>C (p.Glu1715Gln)

Genes: NDE1 (nudE neurodevelopment protein 1; plus strand), MYH11 (myosin heavy chain 11; minus strand). Cytogenetic location: 16p13.11.
Variant type: single nucleotide variant.
Coding change: c.5143G>C on transcript NM_002474.3 (MANE Select); coding-DNA position 5143, G replaced by C.
Protein change: p.Glu1715Gln; replaces glutamic acid 1715 with glutamine.
Molecular consequence: missense variant. On other transcripts: intron variant (2).
Genome position (GRCh38, 1-based): chr16:15,719,248, C>G on the plus strand (G>C on the coding strand, the complement: MYH11 is on the minus strand). VCF-style: chr16-15719248-C-G. GRCh37 (hg19) VCF-style: chr16-15813105-C-G.
Other names: c.5164G>C, p.Glu1722Gln (NM_001040113.2, NM_001040114.2); c.5143G>C, p.Glu1715Gln (NM_022844.3); c.948-4943C>G (NM_001143979.2, NM_017668.3); short protein forms E1715Q, E1722Q.
Identifiers: ClinVar variation 3020463 (VCV003020463.3), dbSNP rs2506103754, ClinGen allele CA394850759.

ClinVar aggregate classification (germline): Uncertain significance (1 of 4 stars; one submission).

Conditions:
Aortic aneurysm, familial thoracic 4 (AAT4). Also called: AORTIC ANEURYSM/AORTIC DISSECTION AND PATENT DUCTUS ARTERIOSUS. Identifiers: MedGen C1851504, MONDO:0007568, OMIM 132900.

Submission:

Labcorp Genetics (formerly Invitae), Labcorp
Classification: Uncertain significance for Aortic aneurysm, familial thoracic 4. Last evaluated: 2023-04-17. Review status: criteria provided, single submitter. Criteria: Invitae Variant Classification Sherloc (09022015). Collection method: clinical testing. Allele origin: germline.
Comment: This sequence change replaces glutamic acid, which is acidic and polar, with glutamine, which is neutral and polar, at codon 1722 of the MYH11 protein (p.Glu1722Gln). This variant is not present in population databases (gnomAD no frequency). This variant has not been reported in the literature in individuals affected with MYH11-related conditions. Advanced modeling of protein sequence and biophysical properties (such as structural, functional, and spatial information, amino acid conservation, physicochemical variation, residue mobility, and thermodynamic stability) performed at Invitae indicates that this missense variant is not expected to disrupt MYH11 protein function. In summary, the available evidence is currently insufficient to determine the role of this variant in disease. Therefore, it has been classified as a Variant of Uncertain Significance.